The following is an entry in ClinVar:

ClinVar aggregate classification (germline): Pathogenic (1 of 4 stars; one submission).

Conditions:
Anauxetic dysplasia. Identifiers: Orphanet 93347, MedGen C1846796, MONDO:0011773.

Submission:

Labcorp Genetics (formerly Invitae), Labcorp
Classification: Pathogenic for Anauxetic dysplasia. Last evaluated: 2021-01-03. Review status: criteria provided, single submitter. Criteria: Invitae Variant Classification Sherloc (09022015). Collection method: clinical testing. Allele origin: germline.
Comment: While this particular variant has not been reported in the literature, it is located in the promoter region between the TATA box and the transcription initiation site, and other insertions and duplications immediately upstream of the coding sequence have been reported in individuals affected with cartilage-hair hypoplasia-anauxetic dysplasia (CHH-AD) spectrum disorders (PMID: 16244706, 11207361, 12107819). While functional studies for this variant have not been reported, experimental analyses using patient derived cells, as well as in vitro transfection studies, have shown that promoter insertions result in silencing of RMRP transcription and reduced expression of the gene product (PMID: 11207361, 16254002). For these reasons, this variant has been classified as Pathogenic. The frequency data for this variant in the population databases is considered unreliable, as metrics indicate insufficient coverage at this position in the ExAC database. This variant occurs in the RMRP gene, which encodes an RNA molecule that does not result in a protein product.

Literature cited by the submitters: PubMed 16244706; PubMed 11207361; PubMed 12107819; PubMed 16254002.

NC_000009.12:g.35658028GCTTCACAGAGTAGTA[5]

Gene: RMRP (RNA component of mitochondrial RNA processing endoribonuclease; minus strand). Cytogenetic location: 9p13.3.
Variant type: Microsatellite.
Genome position: GRCh38, VCF-style position (the base before the change): chr9:35,658,026. GRCh37 (hg19), VCF-style position (the base before the change): chr9:35,658,023.
Identifiers: ClinVar variation 1376080 (VCV001376080.8), dbSNP rs1554651479, ClinGen allele CA2580616185.